The following is an entry in ClinVar:

ClinVar aggregate classification (germline): Conflicting classifications of pathogenicity. Review status: criteria provided, conflicting classifications (1 of 4 stars). 9 submissions from 9 submitters: Uncertain significance (1); Benign (3); Likely benign (3). 2 of the submissions do not count toward it. Last evaluated 2026-02-04.

Conditions:
Polyglandular autoimmune syndrome, type 1 (APS1). Also called: PGA I; Autoimmune polyendocrine syndrome type 1; AUTOIMMUNE POLYENDOCRINE SYNDROME, TYPE I, WITH OR WITHOUT REVERSIBLE METAPHYSEAL DYSPLASIA; HYPOADRENOCORTICISM WITH HYPOPARATHYROIDISM AND SUPERFICIAL MONILIASIS; Autoimmune polyendocrinopathy syndrome, type I; Autoimmune polyendocrinopathy syndrome , type I, with or without reversible metaphyseal dysplasia. Identifiers: Orphanet 3453, MedGen C0085859, MONDO:0009411, OMIM 240300.

Allele frequency attached by ClinVar (database versions not stated): 1000 Genomes Project 30x 0.00031; 1000 Genomes Project 0.00040; gnomAD 0.00206 and 0.00211; TOPMed 0.00211; gnomAD exomes 0.00221 and 0.00256; ExAC 0.00230; ESP Exome Variant Server 0.00231.

Submissions (9):

Labcorp Genetics (formerly Invitae), Labcorp
Classification: Benign for Polyglandular autoimmune syndrome, type 1. Last evaluated: 2026-02-04. Review status: criteria provided, single submitter. Criteria: Invitae Variant Classification Sherloc (09022015). Collection method: clinical testing. Allele origin: germline.

CeGaT Center for Human Genetics Tuebingen
Classification: Likely benign. Last evaluated: 2025-05-01. Review status: criteria provided, single submitter. Criteria: CeGaT Center For Human Genetics Tuebingen Variant Classification Criteria Version 2. Collection method: clinical testing. Allele origin: germline. Affected: yes. Observed: 6 variant alleles.
Comment: AIRE: BP4

Mayo Clinic Laboratories, Mayo Clinic
Classification: Benign. Last evaluated: 2025-04-25. Review status: criteria provided, single submitter. Criteria: ACMG Guidelines, 2015. Collection method: clinical testing. Allele origin: germline. Observed: 6 variant alleles.
Comment: BS1, BS2, BP4, BP7

Blueprint Genetics
Classification: Likely benign. Last evaluated: 2024-11-27. Review status: criteria provided, single submitter. Criteria: ACMG Guidelines, 2015. Collection method: clinical testing. Allele origin: germline.

GeneDx
Classification: Likely benign. Last evaluated: 2019-10-30. Review status: criteria provided, single submitter. Criteria: GeneDx Variant Classification Process June 2021. Collection method: clinical testing. Allele origin: germline. Affected: yes.

Women's Health and Genetics/Laboratory Corporation of America, LabCorp
Classification: Benign. Last evaluated: 2018-08-29. Review status: criteria provided, single submitter. Criteria: LabCorp Variant Classification Summary - May 2015. Collection method: clinical testing. Allele origin: germline.
Comment: Variant summary: AIRE c.1566+8C>T alters a non-conserved nucleotide located close to a canonical splice site and therefore could affect mRNA splicing, leading to a significantly altered protein sequence. 5/5 computational tools predict no significant impact on normal splicing. However, these predictions have yet to be confirmed by functional studies. The variant allele was found at a frequency of 0.0022 in 276242 control chromosomes (3 homozygotes), predominantly within the Non-Finnish European subpopulation in the gnomAD database at a frequency of 0.0032, including 1 homozygote. The observed variant frequency within Non-Finnish European control individuals in the gnomAD database is higher than the estimated maximal expected allele frequency for a pathogenic variant in AIRE causing Autoimmune Polyglandular Syndrome Type 1 phenotype (0.0028), suggesting the variant is a benign polymorphism found primarily in populations of Non-Finnish European origin. To our knowledge, no occurrence of c.1566+8C>T in individuals affected with Autoimmune Polyglandular Syndrome Type 1 and no experimental evidence demonstrating its impact on protein function have been reported. Three ClinVar submissions from other clinical diagnostic laboratories (evaluation after 2014) cite the variant as likely benign, benign, or uncertain significance. Based on the evidence outlined above, the variant was classified as benign.

Athena Diagnostics
Classification: Uncertain significance. Last evaluated: 2016-08-29. Review status: criteria provided, single submitter. Criteria: Athena Diagnostics Criteria. Collection method: clinical testing. Allele origin: germline.

Clinical Genetics DNA and cytogenetics Diagnostics Lab, Erasmus MC, Erasmus Medical Center
Classification: Likely benign. Review status: no assertion criteria provided. Collection method: clinical testing. Allele origin: germline. Affected: yes. Study: VKGL Data-share Consensus. Not counted in ClinVar's aggregate classification.

Genome Diagnostics Laboratory, University Medical Center Utrecht
Classification: Likely benign. Review status: no assertion criteria provided. Collection method: clinical testing. Allele origin: germline. Affected: yes. Study: VKGL Data-share Consensus. Not counted in ClinVar's aggregate classification.

NM_000383.4(AIRE):c.1566+8C>T

Gene: AIRE (autoimmune regulator; plus strand). Cytogenetic location: 21q22.3.
Variant type: single nucleotide variant.
Coding change: c.1566+8C>T on transcript NM_000383.4 (MANE Select); 8 bases into the intron after coding-DNA position 1566, C replaced by T.
Molecular consequence: intron variant.
Genome position (GRCh38, 1-based): chr21:44,296,453, C>T. VCF-style: chr21-44296453-C-T. GRCh37 (hg19) VCF-style: chr21-45716336-C-T.
Other names: p.?; c.1566+8C>T (LRG_18t1).
Identifiers: ClinVar variation 446817 (VCV000446817.51), dbSNP rs72650680, ClinGen allele CA10052184.
Genomic context (GRCh38, chr21:44,296,453, plus strand): 5'-CCAGTCACGAGCCCGCTCTGCACAGGGATGACCTGGAGTCCCTTCTGAGCGAGGTAACGC[C>T]TCCCCTGGCCTCCTGGTGCTCCTCCACTCCCCCTCCCCTGCCTCAGCCGGCACCCAGGCT-3'